The following is an entry in ClinVar:

ClinVar aggregate classification (germline): Likely benign (1 of 4 stars; one submission).

Submission:

Mayo Clinic Laboratories, Mayo Clinic
Classification: Likely benign. Last evaluated: 2024-07-17. Review status: criteria provided, single submitter. Criteria: ACMG Guidelines, 2015. Collection method: clinical testing. Allele origin: germline. Observed: 4 variant alleles.
Comment: BS1

NM_000203.5(IDUA):c.1524+33_1524+42del

Gene: IDUA (alpha-L-iduronidase; plus strand). Cytogenetic location: 4p16.3.
Variant type: Microsatellite.
Coding change: c.1524+33_1524+42del on transcript NM_000203.5 (MANE Select); bases 33 to 42 of the intron after coding-DNA position 1524, 10 bases deleted (CCGGGCCGGG; older notation c.1524+33_1524+42delCCGGGCCGGG).
Molecular consequence: intron variant.
Genome position (GRCh38, 1-based): chr4:1,003,190-1,003,199, CCGGGCCGGG deleted; deleting any 10 consecutive bases within chr4:1,003,182-1,003,199 gives the same sequence; the c. name uses the placement nearest the transcript's 3' end. VCF-style (leftmost placement, unchanged base first): chr4-1003181-GGGGCCGGGCC-G. GRCh37 (hg19) VCF-style: chr4-996969-GGGGCCGGGCC-G.
Other names: p.?; c.1128+33_1128+42del (NM_001363576.1).
Identifiers: ClinVar variation 4684775 (VCV004684775.1).